The following is an entry in ClinVar:

ClinVar aggregate classification (germline): Uncertain significance (0 of 4 stars; one submission).

Conditions:
SPEN-related disorder. Also called: SPEN-related condition.

Allele frequency attached by ClinVar (database versions not stated): ExAC 0.00001; gnomAD exomes 0.00001; TOPMed 0.00002.
gnomAD v4.1: 15 of 1,614,190 alleles (0.00093%); highest among the groups gnomAD compares: Non-Finnish European, 0.0012%; no homozygotes.

Submission:

PreventionGenetics, part of Exact Sciences
Classification: Uncertain significance for SPEN-related condition. Last evaluated: 2023-12-13. Review status: no assertion criteria provided. Collection method: clinical testing. Allele origin: germline.
Comment: The SPEN c.1940G>C variant is predicted to result in the amino acid substitution p.Arg647Thr. To our knowledge, this variant has not been reported in the literature. This variant is reported in 0.00088% of alleles in individuals of European (Non-Finnish) descent in gnomAD. At this time, the clinical significance of this variant is uncertain due to the absence of conclusive functional and genetic evidence.

NM_015001.3(SPEN):c.1940G>C (p.Arg647Thr)

Gene: SPEN (spen family transcriptional repressor; plus strand). Cytogenetic location: 1p36.13.
Variant type: single nucleotide variant.
Coding change: c.1940G>C on transcript NM_015001.3 (MANE Select); coding-DNA position 1940, G replaced by C.
Protein change: p.Arg647Thr; replaces arginine 647 with threonine.
Molecular consequence: missense variant.
Genome position (GRCh38, 1-based): chr1:15,928,180, G>C. VCF-style: chr1-15928180-G-C. GRCh37 (hg19) VCF-style: chr1-16254675-G-C.
Other names: short protein forms R647T.
Identifiers: ClinVar variation 3030427 (VCV003030427.2), dbSNP rs779095094, ClinGen allele CA619184.
Genomic context (GRCh38, chr1:15,928,180, plus strand): 5'-ACCAAGATCGTACATATTATGAGAGTGTTCGAACTCCAGGCACTTATCCTGAGGATTCCA[G>C]GCGGGACTATCCAGCTCGAGGGAGAGAGTTTTATTCAGAATGGGAAACTTACCAAGGAGA-3'
Protein context (NP_055816.2, residues 637-657): RTPGTYPEDS[Arg647Thr]RDYPARGREF